The following is an entry in ClinVar:

ClinVar aggregate classification (germline): Uncertain significance (1 of 4 stars; one submission).

Conditions:
Bethlem myopathy 1A. Also called: Bethlem myopathy 1; MYOPATHY, BENIGN CONGENITAL, WITH CONTRACTURES; Bethlem Muscular Dystrophy. Identifiers: Orphanet 610, MedGen CN029274, MONDO:0024530, OMIM 158810.

Submission:

Labcorp Genetics (formerly Invitae), Labcorp
Classification: Uncertain significance for Bethlem myopathy 1A. Last evaluated: 2023-04-09. Review status: criteria provided, single submitter. Criteria: Invitae Variant Classification Sherloc (09022015). Collection method: clinical testing. Allele origin: germline.
Comment: In summary, the available evidence is currently insufficient to determine the role of this variant in disease. Therefore, it has been classified as a Variant of Uncertain Significance. This variant disrupts the triple helix domain of COL6A1. Glycine residues within the Gly-Xaa-Yaa repeats of the triple helix domain are required for the structure and stability of fibrillar collagens (PMID: 7695699, 8218237, 19344236). In COL6A1, variants at these glycine residues are significantly enriched in individuals with autosomal dominant disease (PMID: 15689448, 24038877) compared to the general population (ExAC). Advanced modeling of protein sequence and biophysical properties (such as structural, functional, and spatial information, amino acid conservation, physicochemical variation, residue mobility, and thermodynamic stability) performed at Invitae indicates that this missense variant is not expected to disrupt COL6A1 protein function. This variant has not been reported in the literature in individuals affected with COL6A1-related conditions. This variant is not present in population databases (gnomAD no frequency). This sequence change replaces glycine, which is neutral and non-polar, with glutamic acid, which is acidic and polar, at codon 547 of the COL6A1 protein (p.Gly547Glu).

Literature cited by the submitters: PubMed 7695699; PubMed 8218237; PubMed 19344236; PubMed 15689448; PubMed 24038877.

NM_001848.3(COL6A1):c.1640G>A (p.Gly547Glu)

Gene: COL6A1 (collagen type VI alpha 1 chain; plus strand). Cytogenetic location: 21q22.3.
Variant type: single nucleotide variant.
Coding change: c.1640G>A on transcript NM_001848.3 (MANE Select); coding-DNA position 1640, G replaced by A.
Protein change: p.Gly547Glu; replaces glycine 547 with glutamic acid.
Molecular consequence: missense variant.
Genome position (GRCh38, 1-based): chr21:45,998,925, G>A. VCF-style: chr21-45998925-G-A. GRCh37 (hg19) VCF-style: chr21-47418839-G-A.
Other names: short protein forms G547E.
Identifiers: ClinVar variation 2853894 (VCV002853894.3), dbSNP rs2526340149, ClinGen allele CA410530572.
Genomic context (GRCh38, chr21:45,998,925, plus strand): 5'-CTTGTTAACCAAGTGCTCTCCCGTCACTGCAGGGCACGAAGGGCTACCCCGGCCTCAAGG[G>A]GGACGAGGGAGAAGCCGGGGACCCCGGAGACGATGTAAGTGTGGATGGGAGGCAGGGCCA-3'
Protein context (NP_001839.2, residues 537-557): NGTKGYPGLK[Gly547Glu]DEGEAGDPGD